The following is an entry in ClinVar:

NM_001142524.2(GPRASP3):c.482C>G (p.Pro161Arg)

Genes: GPRASP3 (G protein-coupled receptor associated sorting protein family member 3; plus strand), ARMCX5-GPRASP2 (ARMCX5-GPRASP2 readthrough; plus strand). Cytogenetic location: Xq22.1.
Variant type: single nucleotide variant.
Coding change: c.482C>G on transcript NM_001142524.2 (MANE Select); coding-DNA position 482, C replaced by G.
Protein change: p.Pro161Arg; replaces proline 161 with arginine.
Molecular consequence: missense variant.
Genome position (GRCh38, 1-based): chrX:102,749,477, C>G. VCF-style: chrX-102749477-C-G. GRCh37 (hg19) VCF-style: chrX-102004405-C-G.
Other names: c.482C>G, p.Pro161Arg (NM_001350268.2, NM_001350269.2, NM_001350270.1 and 7 more transcripts); short protein forms P161R.
Identifiers: ClinVar variation 5022509 (VCV005022509.1).

ClinVar aggregate classification (germline): Uncertain significance (1 of 4 stars; one submission).

gnomAD v4.1: 30 of 1,210,072 alleles (0.0025%); highest among the groups gnomAD compares: Admixed American, 0.0044%; no homozygotes.

Submission:

Ambry Genetics
Classification: Uncertain significance. Last evaluated: 2026-08-18. Review status: criteria provided, single submitter. Criteria: Ambry Variant Classification Scheme 2023. Collection method: clinical testing. Allele origin: germline.
Comment: The c.482C>G (p.P161R) alteration is located in exon 4 (coding exon 1) of the BHLHB9 gene. This alteration results from a C to G substitution at nucleotide position 482, causing the proline (P) at amino acid position 161 to be replaced by an arginine (R). Based on data from gnomAD, the G allele has an overall frequency of <0.001% (1/182751) total alleles studied. The highest observed frequency was 0.001% (1/81647) of European (non-Finnish) alleles. Based on insufficient or conflicting evidence, the clinical significance of this alteration remains unclear.